The following is an entry in ClinVar:

ClinVar aggregate classification (germline): Uncertain significance (1 of 4 stars; one submission).

Conditions:
Parkinsonism-dystonia, infantile. Identifiers: Orphanet 238455, MedGen C2751067, MONDO:0013150.

Allele frequency attached by ClinVar (database versions not stated): TOPMed 0.00001; ExAC 0.00002; gnomAD exomes 0.00002.
gnomAD v4.1: 50 of 1,614,230 alleles (0.0031%); highest among the groups gnomAD compares: Middle Eastern, 0.016%; no homozygotes.

Submission:

Labcorp Genetics (formerly Invitae), Labcorp
Classification: Uncertain significance for Parkinsonism-dystonia, infantile. Last evaluated: 2021-08-24. Review status: criteria provided, single submitter. Criteria: Invitae Variant Classification Sherloc (09022015). Collection method: clinical testing. Allele origin: germline.
Comment: This sequence change replaces arginine with tryptophan at codon 51 of the SLC6A3 protein (p.Arg51Trp). The arginine residue is weakly conserved and there is a moderate physicochemical difference between arginine and tryptophan. This variant is present in population databases (rs778617693, ExAC 0.003%). This missense change has been observed in individual(s) with autism spectrum disorder (PMID: 25774383). Algorithms developed to predict the effect of missense changes on protein structure and function (SIFT, PolyPhen-2, Align-GVGD) all suggest that this variant is likely to be tolerated. Experimental studies have shown that this missense change affects SLC6A3 function (PMID: 25774383). In summary, the available evidence is currently insufficient to determine the role of this variant in disease. Therefore, it has been classified as a Variant of Uncertain Significance.

Literature cited by the submitters: PubMed 25774383.

NM_001044.5(SLC6A3):c.151C>T (p.Arg51Trp)

Gene: SLC6A3 (solute carrier family 6 member 3). Cytogenetic location: 5p15.33.
Variant type: single nucleotide variant.
Coding change: c.151C>T on transcript NM_001044.5 (MANE Select); coding-DNA position 151, C replaced by T.
Protein change: p.Arg51Trp; replaces arginine 51 with tryptophan.
Molecular consequence: missense variant.
Genome position (GRCh38, 1-based): chr5:1,443,047, G>A on the plus strand (C>T on the coding strand, the complement: SLC6A3 is on the minus strand). VCF-style: chr5-1443047-G-A. GRCh37 (hg19) VCF-style: chr5-1443162-G-A.
Other names: short protein forms R51W.
Identifiers: ClinVar variation 1042168 (VCV001042168.6), dbSNP rs778617693, ClinGen allele CA3186471.
Genomic context (GRCh38, chr5:1,443,047, plus strand): 5'-GGAGAAAGTCGATCTTCTTGCCCCAGGTCTCCCGATCCTGGGCCTCCACGGGGCTCTGCC[G>A]CGGGTTGGTGAGGGTGGAGCTGGTGAGCTGCACTCCGTTCTGCTCCTTGACAAGGATGAG-3'
Protein context (NP_001035.1, residues 41-61): QLTSSTLTNP[Arg51Trp]QSPVEAQDRE